The following is an entry in ClinVar:

ClinVar aggregate classification (germline): Conflicting classifications of pathogenicity. Review status: criteria provided, conflicting classifications (1 of 4 stars). 21 submissions from 20 submitters: Uncertain significance (8); Likely benign (7). 6 of the submissions do not count toward it. Last evaluated 2026-08-01.

Conditions:
DYNC2H1-related disorder. Also called: DYNC2H1-related disorders; DYNC2H1-related condition. Identifiers: MedGen CN378770.
Optic atrophy. Identifiers: MedGen C0029124, MONDO:0003608, HP:0000648.
Jeune thoracic dystrophy. Also called: Jeune syndrome; Infantile thoracic dystrophy; Thoracic pelvic phalangeal dystrophy; Jeune's syndrome; Chondroectodermal dysplasia-like syndrome; Short-rib thoracic dysplasia. Identifiers: Orphanet 474, MedGen C0265275, MONDO:0018770.
Retinal dystrophy. Also called: Inherited retinal dystrophy. Identifiers: Orphanet 71862, MedGen C0854723, MeSH D058499, MONDO:0019118, HP:0000556.
Asphyxiating thoracic dystrophy 3. Also called: Saldino-Noonan Syndrome; SHORT-RIB THORACIC DYSPLASIA 3 WITH OR WITHOUT POLYDACTYLY; POLYDACTYLY WITH NEONATAL CHONDRODYSTROPHY, TYPE I; SHORT-RIB THORACIC DYSPLASIA 3/6 WITH POLYDACTYLY, DIGENIC; Short rib polydactyly syndrome 2B. Identifiers: Orphanet 474, Orphanet 93269, Orphanet 93270, Orphanet 93271, MedGen C0036069, MONDO:0013127, OMIM 613091.

Allele frequency attached by ClinVar (database versions not stated): TOPMed 0.00229; 1000 Genomes Project 30x 0.00094; 1000 Genomes Project 0.00100; ESP Exome Variant Server 0.00135; ExAC 0.00136; gnomAD exomes 0.00162; gnomAD 0.00178 and 0.00189.
gnomAD v4.1: 3,672 of 1,612,340 alleles (0.23%); highest among the groups gnomAD compares: Admixed American, 0.38%; 6 homozygotes.

Submissions 1 to 16 of 21:

CeGaT Center for Human Genetics Tuebingen
Classification: Likely benign. Last evaluated: 2026-08-01. Review status: criteria provided, single submitter. Criteria: CeGaT Center For Human Genetics Tuebingen Variant Classification Criteria Version 2. Collection method: clinical testing. Allele origin: germline. Affected: yes. Observed: 2 variant alleles.
Comment: DYNC2H1: BS2

Labcorp Genetics (formerly Invitae), Labcorp
Classification: Likely benign for Jeune thoracic dystrophy. Last evaluated: 2026-02-04. Review status: criteria provided, single submitter. Criteria: Invitae Variant Classification Sherloc (09022015). Collection method: clinical testing. Allele origin: germline.

Women's Health and Genetics/Laboratory Corporation of America, LabCorp
Classification: Likely benign. Last evaluated: 2025-11-24. Review status: criteria provided, single submitter. Criteria: LabCorp Variant Classification Summary - May 2015. Collection method: clinical testing. Allele origin: germline.
Comment: Variant summary: DYNC2H1 c.3682C>A (p.Leu1228Ile) results in a conservative amino acid change located in the dynein heavy chain, linker region (IPR013602) of the encoded protein sequence. Algorithms developed to predict the effect of missense changes on protein structure and function are either unavailable or do not agree on the potential impact of this missense change. The variant allele was found at a frequency of 0.0023 in 1612340 control chromosomes, predominantly at a frequency of 0.0038 within the Latino subpopulation in the gnomAD database, including 6 homozygotes. The observed variant frequency within Latino control individuals in the gnomAD database exceeds the estimated maximal expected allele frequency for disease-causing variants in DYNC2H1. c.3682C>A has been reported in the literature in the presumed or confirmed compound heterozygous state in multiple unrelated individuals affected with features of Short-rib thoracic dysplasia/Asphyxiating thoracic dystrophy (e.g., Zhang_2018, Schmitds_2013, Cossu_2016, Cloney_2022), without strong evidence for causality or any evidence of segregation with disease. To our knowledge, no experimental evidence demonstrating an impact on protein function has been reported. The following publications have been ascertained in the context of this evaluation (PMID: 29068549, 34740920, 26874042, 23456818, 40769470, 37091781, 30755392, 24448499, 21935354). ClinVar contains an entry for this variant (Variation ID: 238270). Based on the evidence outlined above, the variant was classified as likely benign.

Myriad Genetics, Inc.
Classification: Uncertain significance for Asphyxiating thoracic dystrophy 3. Last evaluated: 2025-08-05. Review status: criteria provided, single submitter. Criteria: Myriad Autosomal Dominant, Autosomal Recessive and X-Linked Classification Criteria (2023). Collection method: clinical testing. Allele origin: unknown.
Comment: NM_001377.2(DYNC2H1):c.3682C>A(L1228I) is a missense variant classified as a variant of uncertain significance in the context of DYNC2H1-related disorders. L1228I has been observed in cases with relevant disease (PMID: 29068549, 34740920, 26874042, 23456818). Relevant functional assessments of this variant are not available in the literature. L1228I has been observed in referenced population frequency databases. In summary, there is insufficient evidence to classify NM_001377.2(DYNC2H1):c.3682C>A(L1228I) as pathogenic or benign. Please note: this variant was assessed in the context of healthy population screening.

PreventionGenetics, part of Exact Sciences
Classification: Likely benign for DYNC2H1-related condition. Last evaluated: 2025-01-21. Review status: criteria provided, single submitter. Criteria: ACMG Guidelines, 2015. Collection method: clinical testing. Allele origin: germline.
Comment: This variant is classified as likely benign based on ACMG/AMP sequence variant interpretation guidelines (Richards et al. 2015 PMID: 25741868, with internal and published modifications).

Blueprint Genetics
Classification: Likely benign. Last evaluated: 2024-10-02. Review status: criteria provided, single submitter. Criteria: ACMG Guidelines, 2015. Collection method: clinical testing. Allele origin: germline.

Institute of Human Genetics, Univ. Regensburg, Univ. Regensburg
Classification: Uncertain significance for Optic atrophy. Last evaluated: 2023-01-01. Review status: criteria provided, single submitter. Criteria: ACMG Guidelines, 2015. Collection method: clinical testing. Allele origin: germline. Affected: yes.

Institute of Human Genetics, Univ. Regensburg, Univ. Regensburg
Classification: Uncertain significance for Retinal dystrophy. Last evaluated: 2023-01-01. Review status: criteria provided, single submitter. Criteria: ACMG Guidelines, 2015. Collection method: clinical testing. Allele origin: germline. Affected: yes.

Genetic Services Laboratory, University of Chicago
Classification: Likely benign. Last evaluated: 2020-10-20. Review status: criteria provided, single submitter. Criteria: ACMG Guidelines, 2015. Collection method: clinical testing. Allele origin: germline. Affected: no.

ARUP Laboratories, Molecular Genetics and Genomics, ARUP Laboratories
Classification: Uncertain significance for Asphyxiating thoracic dystrophy 3. Last evaluated: 2019-12-07. Review status: criteria provided, single submitter. Criteria: ARUP Molecular Germline Variant Investigation Process. Collection method: clinical testing. Allele origin: germline.
Comment: The DYNC2H1 c.3682C>A; p.Leu1228Ile variant (rs189806840) is reported in the literature in individuals affected with asphyxiating thoracic dysplasia, several of whom carried additional variants in the DYNC2H1 gene (Cossu 2016, Schmidts 2013, Zhang 2018). The p.Leu1228Ile variant is found in the Latino population with an overall allele frequency of 0.30% (104/35140 alleles) in the Genome Aggregation Database, and it is reported in ClinVar (Variation ID: 238270). The leucine at codon 1228 is highly conserved, and computational analyses (SIFT, PolyPhen-2) predict that this variant is deleterious. However, due to limited information, the clinical significance of the p.Leu1228Ile variant is uncertain at this time. References: Cossu C et al. New mutations in DYNC2H1 and WDR60 genes revealed by whole-exome sequencing in two unrelated Sardinian families with Jeune asphyxiating thoracic dystrophy. Clin Chim Acta. 2016 Apr 1;455:172-80. Schmidts M et al. Exome sequencing identifies DYNC2H1 mutations as a common cause of asphyxiating thoracic dystrophy (Jeune syndrome) without major polydactyly, renal or retinal involvement. J Med Genet. 2013 May;50(5):309-23. Zhang W et al. Expanding the genetic architecture and phenotypic spectrum in the skeletal ciliopathies. Hum Mutat. 2018 Jan;39(1):152-166.

Baylor Genetics
Classification: Uncertain significance for Asphyxiating thoracic dystrophy 3. Last evaluated: 2019-08-23. Review status: criteria provided, single submitter. Criteria: ACMG Guidelines, 2015. Collection method: clinical testing. Allele origin: unknown. Affected: yes.
Comment: This variant was determined to be of uncertain significance according to ACMG Guidelines, 2015 [PMID:25741868].

Center for Personalized Medicine, Children's Hospital Los Angeles
Classification: Uncertain significance. Last evaluated: 2018-11-19. Review status: criteria provided, single submitter. Criteria: ACMG Guidelines, 2015. Collection method: clinical testing. Allele origin: germline. Affected: yes.

GeneDx
Classification: Likely benign. Last evaluated: 2018-07-23. Review status: criteria provided, single submitter. Criteria: GeneDx Variant Classification Process June 2021. Collection method: clinical testing. Allele origin: germline. Affected: yes.
Comment: This variant is associated with the following publications: (PMID: 29068549, 2687404, 23456818, 26874042, 30755392)

Illumina Laboratory Services, Illumina
Classification: Uncertain significance for Asphyxiating thoracic dystrophy 3. Last evaluated: 2017-04-27. Review status: criteria provided, single submitter. Criteria: ICSL Variant Classification Criteria 13 December 2019. Collection method: clinical testing. Allele origin: germline.

Eurofins Ntd Llc (ga)
Classification: Uncertain significance. Last evaluated: 2016-05-20. Review status: criteria provided, single submitter. Criteria: EGL Classification Definitions 2015. Collection method: clinical testing. Allele origin: germline. Observed: 1 variant allele, 1 heterozygote.

Dan Cohn Lab, University Of California Los Angeles
Classification: Pathogenic for Asphyxiating thoracic dystrophy. Last evaluated: 2017-06-01. Review status: no assertion criteria provided. Collection method: research. Allele origin: paternal, unknown. Affected: yes. Not counted in ClinVar's aggregate classification.

NM_001377.3(DYNC2H1):c.3682C>A (p.Leu1228Ile)

Gene: DYNC2H1 (dynein cytoplasmic 2 heavy chain 1; plus strand). Cytogenetic location: 11q22.3.
Variant type: single nucleotide variant.
Coding change: c.3682C>A on transcript NM_001377.3 (MANE Select); coding-DNA position 3682, C replaced by A.
Protein change: p.Leu1228Ile; replaces leucine 1228 with isoleucine.
Molecular consequence: missense variant.
Genome position (GRCh38, 1-based): chr11:103,155,439, C>A. VCF-style: chr11-103155439-C-A. GRCh37 (hg19) VCF-style: chr11-103026168-C-A.
Other names: c.3682C>A, p.Leu1228Ile (NM_001080463.2); short protein forms L1228I.
Identifiers: ClinVar variation 238270 (VCV000238270.51), dbSNP rs189806840, ClinGen allele CA6253373.
Genomic context (GRCh38, chr11:103,155,439, plus strand): 5'-GATCACTGGCTTGACCTTTTTCGTCTCCTTGGACTTCCTAGGGGGACTAGTCTAGAGAAA[C>A]TACTGTTTGGTGATTTGCTCAGAGTAGCTGATACAATTGTAGCCAAAGCTGCCGACCTTA-3'
Protein context (NP_001368.2, residues 1218-1238): GLPRGTSLEK[Leu1228Ile]LFGDLLRVAD